The following is an entry in ClinVar:

NM_020949.3(SLC7A14):c.2084G>A (p.Arg695His)

Genes: SLC7A14 (solute carrier family 7 member 14; minus strand), SLC7A14-AS1 (SLC7A14 antisense RNA 1; plus strand). Cytogenetic location: 3q26.2.
Variant type: single nucleotide variant.
Coding change: c.2084G>A on transcript NM_020949.3 (MANE Select); coding-DNA position 2084, G replaced by A.
Protein change: p.Arg695His; replaces arginine 695 with histidine.
Molecular consequence: missense variant. On other transcripts: non-coding transcript variant (3).
Genome position (GRCh38, 1-based): chr3:170,467,287, C>T on the plus strand (G>A on the coding strand, the complement: SLC7A14 is on the minus strand). VCF-style: chr3-170467287-C-T. GRCh37 (hg19) VCF-style: chr3-170185075-C-T.
Other names: short protein forms R695H.
Identifiers: ClinVar variation 4767372 (VCV004767372.1).
Genomic context (GRCh38, chr3:170,467,287, plus strand): 5'-TCGCCCTCTGTGGCGTAGGAGAAACCCTCCTCCACTGAGAAGGGGTCATCCACGTCGTAG[C>T]GTTGGTACGTGCTTTGGTGCAGGGCCTCTTCTCGAGCGCTGATTTCCAGGGTGCTGTTCC-3'
Protein context (NP_066000.2, residues 685-705): EEALHQSTYQ[Arg695His]YDVDDPFSVE

ClinVar aggregate classification (germline): Uncertain significance (1 of 4 stars; one submission).

gnomAD v4.1: 7 of 1,614,102 alleles (0.00043%); highest among the groups gnomAD compares: South Asian, 0.0033%; no homozygotes.

Submission:

Labcorp Genetics (formerly Invitae), Labcorp
Classification: Uncertain significance. Last evaluated: 2025-04-03. Review status: criteria provided, single submitter. Criteria: Invitae Variant Classification Sherloc (09022015). Collection method: clinical testing. Allele origin: germline.
Comment: This sequence change replaces arginine, which is basic and polar, with histidine, which is basic and polar, at codon 695 of the SLC7A14 protein (p.Arg695His). This variant is present in population databases (rs777741189, gnomAD 0.004%). This variant has not been reported in the literature in individuals affected with SLC7A14-related conditions. An algorithm developed to predict the effect of missense changes on protein structure and function (PolyPhen-2) suggests that this variant is likely to be tolerated. In summary, the available evidence is currently insufficient to determine the role of this variant in disease. Therefore, it has been classified as a Variant of Uncertain Significance.